The following is an entry in ClinVar:

ClinVar aggregate classification (germline): Uncertain significance (1 of 4 stars; one submission).

Allele frequency attached by ClinVar (database versions not stated): gnomAD exomes below 0.00001.
gnomAD v4.1: 1 of 1,206,888 alleles (0.000083%); highest among the groups gnomAD compares: African/African-American, 0.0017%; no homozygotes.

Submission:

GeneDx
Classification: Uncertain significance. Last evaluated: 2023-06-12. Review status: criteria provided, single submitter. Criteria: GeneDx Variant Classification Process June 2021. Collection method: clinical testing. Allele origin: germline.
Comment: Not observed at significant frequency in large population cohorts (gnomAD); In silico analysis supports that this missense variant does not alter protein structure/function; Has not been previously published as pathogenic or benign to our knowledge

NM_007325.5(GRIA3):c.517A>G (p.Ile173Val)

Gene: GRIA3 (glutamate ionotropic receptor AMPA type subunit 3; plus strand). Cytogenetic location: Xq25.
Variant type: single nucleotide variant.
Coding change: c.517A>G on transcript NM_007325.5 (MANE Select); coding-DNA position 517, A replaced by G.
Protein change: p.Ile173Val; replaces isoleucine 173 with valine.
Molecular consequence: missense variant.
Genome position (GRCh38, 1-based): chrX:123,326,034, A>G. VCF-style: chrX-123326034-A-G. GRCh37 (hg19) VCF-style: chrX-122459885-A-G.
Other names: c.517A>G, p.Ile173Val (NM_000828.5); short protein forms I173V.
Identifiers: ClinVar variation 1706247 (VCV001706247.3), dbSNP rs2520949568, ClinGen allele CA414260963.